The following is an entry in ClinVar:

NM_152383.5(DIS3L2):c.1522A>G (p.Ile508Val)

Gene: DIS3L2 (DIS3 like 3'-5' exoribonuclease 2; plus strand). Cytogenetic location: 2q37.1.
Variant type: single nucleotide variant.
Coding change: c.1522A>G on transcript NM_152383.5 (MANE Select); coding-DNA position 1522, A replaced by G.
Protein change: p.Ile508Val; replaces isoleucine 508 with valine.
Molecular consequence: missense variant. On other transcripts: non-coding transcript variant (2).
Genome position (GRCh38, 1-based): chr2:232,263,303, A>G. VCF-style: chr2-232263303-A-G. GRCh37 (hg19) VCF-style: chr2-233128013-A-G.
Other names: c.1522A>G, p.Ile508Val (NM_001257281.2); short protein forms I508V.
Identifiers: ClinVar variation 1972551 (VCV001972551.5), dbSNP rs770994209, ClinGen allele CA350975453.

ClinVar aggregate classification (germline): Uncertain significance (1 of 4 stars; one submission).

Conditions:
Perlman syndrome (PRLMNS). Identifiers: Orphanet 2849, MedGen C0796113, MONDO:0009965, OMIM 267000.

Submission:

Labcorp Genetics (formerly Invitae), Labcorp
Classification: Uncertain significance for Perlman syndrome. Last evaluated: 2022-04-13. Review status: criteria provided, single submitter. Criteria: Invitae Variant Classification Sherloc (09022015). Collection method: clinical testing. Allele origin: germline.
Comment: In summary, the available evidence is currently insufficient to determine the role of this variant in disease. Therefore, it has been classified as a Variant of Uncertain Significance. Algorithms developed to predict the effect of missense changes on protein structure and function output the following: SIFT: "Tolerated"; PolyPhen-2: "Benign"; Align-GVGD: "Class C0". The valine amino acid residue is found in multiple mammalian species, which suggests that this missense change does not adversely affect protein function. This variant has not been reported in the literature in individuals affected with DIS3L2-related conditions. This variant is not present in population databases (gnomAD no frequency). This sequence change replaces isoleucine, which is neutral and non-polar, with valine, which is neutral and non-polar, at codon 508 of the DIS3L2 protein (p.Ile508Val).